The following is an entry in ClinVar:

NM_152490.5(B3GALNT2):c.863A>G (p.Asn288Ser)

Gene: B3GALNT2 (beta-1,3-N-acetylgalactosaminyltransferase 2; minus strand). Cytogenetic location: 1q42.3.
Variant type: single nucleotide variant.
Coding change: c.863A>G on transcript NM_152490.5 (MANE Select); coding-DNA position 863, A replaced by G.
Protein change: p.Asn288Ser; replaces asparagine 288 with serine.
Molecular consequence: missense variant.
Genome position (GRCh38, 1-based): chr1:235,458,765, T>C on the plus strand (A>G on the coding strand, the complement: B3GALNT2 is on the minus strand). VCF-style: chr1-235458765-T-C. GRCh37 (hg19) VCF-style: chr1-235622073-T-C.
Other names: c.863A>G (NM_152490.2); short protein forms N288S.
Identifiers: ClinVar variation 1053929 (VCV001053929.3), dbSNP rs2102790139, ClinGen allele CA344960379.

ClinVar aggregate classification (germline): Conflicting classifications of pathogenicity. Review status: criteria provided, conflicting classifications (1 of 4 stars). 2 submissions from 2 submitters: Uncertain significance (1); Likely benign (1). Last evaluated 2024-04-08.

Conditions:
Inborn genetic diseases. Identifiers: MedGen C0950123, MeSH D030342.
Muscular dystrophy-dystroglycanopathy (congenital with brain and eye anomalies), type a, 11 (MDDGA11). Also called: WALKER-WARBURG SYNDROME OR MUSCLE-EYE-BRAIN DISEASE, B3GALNT2-RELATED; Congenital muscular dystrophy-dystroglycanopathy with brain and eye anomalies, type A11; Muscular dystrophy-dystroglycanopathy (congenital with brain and eye anomalies, type A, 11. Identifiers: Orphanet 588, Orphanet 899, MedGen C3554638, MONDO:0014071, OMIM 615181.

Allele frequency attached by ClinVar (database versions not stated): gnomAD exomes below 0.00001.
gnomAD v4.1: 6 of 1,598,778 alleles (0.00038%); highest among the groups gnomAD compares: Admixed American, 0.0036%; no homozygotes.

Submissions (2):

Ambry Genetics
Classification: Likely benign for Inborn genetic diseases. Last evaluated: 2024-04-08. Review status: criteria provided, single submitter. Criteria: Ambry Variant Classification Scheme 2023. Collection method: clinical testing. Allele origin: germline.

Labcorp Genetics (formerly Invitae), Labcorp
Classification: Uncertain significance for Muscular dystrophy-dystroglycanopathy (congenital with brain and eye anomalies), type a, 11. Last evaluated: 2021-10-11. Review status: criteria provided, single submitter. Criteria: Invitae Variant Classification Sherloc (09022015). Collection method: clinical testing. Allele origin: germline.
Comment: This sequence change replaces asparagine with serine at codon 288 of the B3GALNT2 protein (p.Asn288Ser). The asparagine residue is weakly conserved and there is a small physicochemical difference between asparagine and serine. This variant is not present in population databases (ExAC no frequency). This variant has not been reported in the literature in individuals affected with B3GALNT2-related conditions. Algorithms developed to predict the effect of missense changes on protein structure and function output the following: SIFT: "Tolerated"; PolyPhen-2: "Benign"; Align-GVGD: "Class C0". The serine amino acid residue is found in multiple mammalian species, which suggests that this missense change does not adversely affect protein function. Algorithms developed to predict the effect of sequence changes on RNA splicing suggest that this variant may create or strengthen a splice site. In summary, the available evidence is currently insufficient to determine the role of this variant in disease. Therefore, it has been classified as a Variant of Uncertain Significance.